The following is an entry in ClinVar:

ClinVar aggregate classification (germline): Uncertain significance. Review status: criteria provided, multiple submitters, no conflicts (2 of 4 stars). 2 submissions from 2 submitters: Uncertain significance (2). Last evaluated 2025-06-07.

gnomAD v4.1: 1 of 1,614,192 alleles (0.000062%); highest among the groups gnomAD compares: Admixed American, 0.0017%; no homozygotes.

Submissions (2):

Ambry Genetics
Classification: Uncertain significance. Last evaluated: 2025-06-07. Review status: criteria provided, single submitter. Criteria: Ambry Variant Classification Scheme 2023. Collection method: clinical testing. Allele origin: germline.

Women's Health and Genetics/Laboratory Corporation of America, LabCorp
Classification: Uncertain significance. Last evaluated: 2025-05-14. Review status: criteria provided, single submitter. Criteria: LabCorp Variant Classification Summary - May 2015. Collection method: clinical testing. Allele origin: germline.
Comment: Variant summary: KANK1 c.3418A>C (p.Ile1140Leu) results in a conservative amino acid change in the encoded protein sequence. Algorithms developed to predict the effect of missense changes on protein structure and function are either unavailable or do not agree on the potential impact of this missense change. The variant allele was found at a frequency of 8e-06 in 251442 control chromosomes. The available data on variant occurrences in the general population are insufficient to allow any conclusion about variant significance. To our knowledge, no occurrence of c.3418A>C in individuals affected with Cerebral Palsy, Spastic Quadriplegic, 2 and no experimental evidence demonstrating its impact on protein function have been reported. No submitters have cited clinical-significance assessments for this variant to ClinVar. Based on the evidence outlined above, the variant was classified as uncertain significance.

NM_015158.5(KANK1):c.3418A>C (p.Ile1140Leu)

Genes: KANK1 (KN motif and ankyrin repeat domains 1; plus strand), LOC126860554 (MED14-independent group 3 enhancer GRCh37_chr9:737889-739088; plus strand). Cytogenetic location: 9p24.3.
Variant type: single nucleotide variant.
Coding change: c.3418A>C on transcript NM_015158.5 (MANE Select); coding-DNA position 3418, A replaced by C.
Protein change: p.Ile1140Leu; replaces isoleucine 1140 with leucine.
Molecular consequence: missense variant. On other transcripts: non-coding transcript variant (1).
Genome position (GRCh38, 1-based): chr9:738,369, A>C. VCF-style: chr9-738369-A-C. GRCh37 (hg19) VCF-style: chr9-738369-A-C.
Other names: c.3418A>C, p.Ile1140Leu (NM_001256876.3, NM_001256877.3, NM_001354334.2); c.3178A>C, p.Ile1060Leu (NM_001354331.2); c.3364A>C, p.Ile1122Leu (NM_001354332.2); c.2944A>C, p.Ile982Leu (NM_001354333.2, NM_001354335.2, NM_001354337.2 and 2 more transcripts); c.2650A>C, p.Ile884Leu (NM_001354336.2); c.2890A>C, p.Ile964Leu (NM_001354338.2, NM_001354340.2, NM_001354344.2); c.2704A>C, p.Ile902Leu (NM_001354339.2, NM_001354342.2, NM_001354343.2); c.3418A>C (NM_015158.2); short protein forms I1060L, I1122L, I1140L, I884L, I902L, I964L, I982L.
Identifiers: ClinVar variation 3902203 (VCV003902203.2).